The following is an entry in ClinVar:

ClinVar aggregate classification (germline): Uncertain significance (1 of 4 stars; one submission).

Submission:

Labcorp Genetics (formerly Invitae), Labcorp
Classification: Uncertain significance. Last evaluated: 2025-01-31. Review status: criteria provided, single submitter. Criteria: Invitae Variant Classification Sherloc (09022015). Collection method: clinical testing. Allele origin: germline.
Comment: This sequence change affects the initiator methionine of the PLA2G5 mRNA. The next in-frame methionine is located at codon 28. This variant is not present in population databases (gnomAD no frequency). This variant has not been reported in the literature in individuals affected with PLA2G5-related conditions. Experimental studies and prediction algorithms are not available or were not evaluated, and the functional significance of this variant is currently unknown. In summary, the available evidence is currently insufficient to determine the role of this variant in disease. Therefore, it has been classified as a Variant of Uncertain Significance.

NM_000929.3(PLA2G5):c.1A>G (p.Met1Val)

Gene: PLA2G5 (phospholipase A2 group V; plus strand). Cytogenetic location: 1p36.13.
Variant type: single nucleotide variant.
Coding change: c.1A>G on transcript NM_000929.3 (MANE Select); coding-DNA position 1, A replaced by G.
Protein change: p.Met1Val; changes the start codon (methionine 1).
Molecular consequence: missense variant, initiator codon variant.
Genome position (GRCh38, 1-based): chr1:20,084,831, A>G. VCF-style: chr1-20084831-A-G. GRCh37 (hg19) VCF-style: chr1-20411324-A-G.
Other names: short protein forms M1V.
Identifiers: ClinVar variation 4778321 (VCV004778321.1).